The following is an entry in ClinVar:

ClinVar aggregate classification (germline): Uncertain significance. Review status: criteria provided, multiple submitters, no conflicts (2 of 4 stars). 3 submissions from 3 submitters: Uncertain significance (3). Last evaluated 2025-09-27.

Conditions:
Hereditary cancer-predisposing syndrome. Also called: Neoplastic Syndromes, Hereditary; Hereditary Cancer Syndrome; Hereditary neoplastic syndrome; Tumor predisposition. Identifiers: Orphanet 140162, MedGen C0027672, MeSH D009386, MONDO:0015356.
Renal cell carcinoma. Identifiers: Orphanet 217071, MedGen C0007134, MeSH D002292, MONDO:0005086, HP:0005584.
Autosomal recessive nonsyndromic hearing loss 97. Also called: Deafness, autosomal recessive 97. Identifiers: Orphanet 90636, MedGen C4084709, MONDO:0014739, OMIM 616705.

Submissions (3):

Labcorp Genetics (formerly Invitae), Labcorp
Classification: Uncertain significance for Renal cell carcinoma. Last evaluated: 2025-09-27. Review status: criteria provided, single submitter. Criteria: Invitae Variant Classification Sherloc (09022015). Collection method: clinical testing. Allele origin: germline.
Comment: This sequence change replaces threonine, which is neutral and polar, with alanine, which is neutral and non-polar, at codon 444 of the MET protein (p.Thr444Ala). This variant is not present in population databases (gnomAD no frequency). This variant has not been reported in the literature in individuals affected with MET-related conditions. ClinVar contains an entry for this variant (Variation ID: 1437460). Invitae Evidence Modeling of protein sequence and biophysical properties (such as structural, functional, and spatial information, amino acid conservation, physicochemical variation, residue mobility, and thermodynamic stability) indicates that this missense variant is not expected to disrupt MET protein function with a negative predictive value of 80%. In summary, the available evidence is currently insufficient to determine the role of this variant in disease. Therefore, it has been classified as a Variant of Uncertain Significance.

Baylor Genetics
Classification: Uncertain significance for Autosomal recessive nonsyndromic hearing loss 97. Last evaluated: 2023-10-21. Review status: criteria provided, single submitter. Criteria: ACMG Guidelines, 2015. Collection method: clinical testing. Allele origin: unknown.

Ambry Genetics
Classification: Uncertain significance for Hereditary cancer-predisposing syndrome. Last evaluated: 2022-05-25. Review status: criteria provided, single submitter. Criteria: Ambry Variant Classification Scheme 2023. Collection method: clinical testing. Allele origin: germline.
Comment: The p.T444A variant (also known as c.1330A>G), located in coding exon 2 of the MET gene, results from an A to G substitution at nucleotide position 1330. The threonine at codon 444 is replaced by alanine, an amino acid with similar properties. This amino acid position is conserved. In addition, this alteration is predicted to be tolerated by in silico analysis. Since supporting evidence is limited at this time, the clinical significance of this alteration remains unclear.

NM_000245.4(MET):c.1330A>G (p.Thr444Ala)

Gene: MET (MET proto-oncogene, receptor tyrosine kinase; plus strand). Cytogenetic location: 7q31.2.
Variant type: single nucleotide variant.
Coding change: c.1330A>G on transcript NM_000245.4 (MANE Select); coding-DNA position 1330, A replaced by G.
Protein change: p.Thr444Ala; replaces threonine 444 with alanine.
Molecular consequence: missense variant.
Genome position (GRCh38, 1-based): chr7:116,731,797, A>G. VCF-style: chr7-116731797-A-G. GRCh37 (hg19) VCF-style: chr7-116371851-A-G.
Other names: c.1330A>G, p.Thr444Ala (NM_001127500.3, NM_001324401.3); c.40A>G, p.Thr14Ala (NM_001324402.2); short protein forms T14A, T444A.
Identifiers: ClinVar variation 1437460 (VCV001437460.11), dbSNP rs2116782829, ClinGen allele CA368972943.